The following is an entry in ClinVar:

ClinVar aggregate classification (germline): Pathogenic/Likely pathogenic. Review status: criteria provided, multiple submitters, no conflicts (2 of 4 stars). 4 submissions from 4 submitters: Pathogenic (1); Likely pathogenic (3). Last evaluated 2024-07-22.

Conditions:
ACSF3-related disorder. Also called: ACSF3-related condition.
Combined malonic and methylmalonic acidemia. Identifiers: Orphanet 289504, MedGen C3280314, MONDO:0013661, OMIM 614265.

Allele frequency attached by ClinVar (database versions not stated): gnomAD exomes below 0.00001; ExAC 0.00001; gnomAD 0.00002; TOPMed 0.00003; ESP Exome Variant Server 0.00015.
gnomAD v4.1: 8 of 1,613,800 alleles (0.0005%); highest among the groups gnomAD compares: African/African-American, 0.0093%; no homozygotes.

Submissions (4):

Natera, Inc.
Classification: Likely pathogenic for Combined malonic and methylmalonic aciduria. Last evaluated: 2024-07-22. Review status: criteria provided, single submitter. Criteria: Natera Variant Classification Schema (03/2026). Collection method: clinical testing. Allele origin: germline.
Comment: The c.238C>T variant in ACSF3 is a nonsense variant predicted to introduce a stop codon at amino acid 80. This variant is expected to result in nonsense mediated decay, truncation, or a dysfunctional protein product. This variant is rare in the general population with a frequency below the threshold expected for the associated phenotype(s). Given the available evidence, this variant is classified as Likely Pathogenic.

Baylor Genetics
Classification: Likely pathogenic for Combined malonic and methylmalonic acidemia. Last evaluated: 2024-02-10. Review status: criteria provided, single submitter. Criteria: ACMG Guidelines, 2015. Collection method: clinical testing. Allele origin: unknown.

Labcorp Genetics (formerly Invitae), Labcorp
Classification: Pathogenic for Combined malonic and methylmalonic acidemia. Last evaluated: 2023-10-12. Review status: criteria provided, single submitter. Criteria: Invitae Variant Classification Sherloc (09022015). Collection method: clinical testing. Allele origin: germline.
Comment: This sequence change creates a premature translational stop signal (p.Gln80*) in the ACSF3 gene. It is expected to result in an absent or disrupted protein product. Loss-of-function variants in ACSF3 are known to be pathogenic (PMID: 21841779, 26827111). This variant is not present in population databases (gnomAD no frequency). This variant has not been reported in the literature in individuals affected with ACSF3-related conditions. ClinVar contains an entry for this variant (Variation ID: 1072051). For these reasons, this variant has been classified as Pathogenic.

PreventionGenetics, part of Exact Sciences
Classification: Likely pathogenic for ACSF3-related condition. Last evaluated: 2023-04-19. Review status: criteria provided, single submitter. Criteria: ACMG Guidelines, 2015. Collection method: clinical testing. Allele origin: germline.
Comment: The ACSF3 c.238C>T variant is predicted to result in premature protein termination (p.Gln80*). To our knowledge, this variant has not been reported in the literature. This variant is reported in 0.0062% of alleles in individuals of African descent in gnomAD. Nonsense variants in ACSF3 are expected to be pathogenic. This variant is interpreted as likely pathogenic.

Literature cited by the submitters: PubMed 21841779 (cited by Labcorp Genetics (formerly Invitae), Labcorp); PubMed 26827111 (cited by Labcorp Genetics (formerly Invitae), Labcorp).

NM_001243279.3(ACSF3):c.238C>T (p.Gln80Ter)

Gene: ACSF3 (acyl-CoA synthetase family member 3; plus strand). Cytogenetic location: 16q24.3.
Variant type: single nucleotide variant.
Coding change: c.238C>T on transcript NM_001243279.3 (MANE Select); coding-DNA position 238, C replaced by T.
Protein change: p.Gln80Ter; replaces glutamine 80 with a stop codon.
Molecular consequence: nonsense. On other transcripts: non-coding transcript variant (3), intron variant (1).
Genome position (GRCh38, 1-based): chr16:89,100,919, C>T. VCF-style: chr16-89100919-C-T. GRCh37 (hg19) VCF-style: chr16-89167327-C-T.
Other names: c.-129-1685C>T (NM_001284316.2); c.238C>T, p.Gln80Ter (NM_001127214.4, NM_174917.5); c.238C>T (NM_174917.4); short protein forms Q80*.
Identifiers: ClinVar variation 1072051 (VCV001072051.10), dbSNP rs138156311, ClinGen allele CA8237584.